The following is an entry in ClinVar:

ClinVar aggregate classification (germline): Uncertain significance (1 of 4 stars; one submission).

Allele frequency attached by ClinVar (database versions not stated): gnomAD exomes below 0.00001; TOPMed below 0.00001; gnomAD 0.00001.

Submission:

Labcorp Genetics (formerly Invitae), Labcorp
Classification: Uncertain significance. Last evaluated: 2024-12-30. Review status: criteria provided, single submitter. Criteria: Invitae Variant Classification Sherloc (09022015). Collection method: clinical testing. Allele origin: germline.
Comment: This sequence change replaces phenylalanine, which is neutral and non-polar, with cysteine, which is neutral and slightly polar, at codon 222 of the MMP9 protein (p.Phe222Cys). This variant is not present in population databases (gnomAD no frequency). This variant has not been reported in the literature in individuals affected with MMP9-related conditions. ClinVar contains an entry for this variant (Variation ID: 1973763). Invitae Evidence Modeling of protein sequence and biophysical properties (such as structural, functional, and spatial information, amino acid conservation, physicochemical variation, residue mobility, and thermodynamic stability) indicates that this missense variant is not expected to disrupt MMP9 protein function with a negative predictive value of 80%. In summary, the available evidence is currently insufficient to determine the role of this variant in disease. Therefore, it has been classified as a Variant of Uncertain Significance.

NM_004994.3(MMP9):c.665T>G (p.Phe222Cys)

Gene: MMP9 (matrix metallopeptidase 9; plus strand). Cytogenetic location: 20q13.12.
Variant type: single nucleotide variant.
Coding change: c.665T>G on transcript NM_004994.3 (MANE Select); coding-DNA position 665, T replaced by G.
Protein change: p.Phe222Cys; replaces phenylalanine 222 with cysteine.
Molecular consequence: missense variant.
Genome position (GRCh38, 1-based): chr20:46,011,158, T>G. VCF-style: chr20-46011158-T-G. GRCh37 (hg19) VCF-style: chr20-44639797-T-G.
Other names: short protein forms F222C.
Identifiers: ClinVar variation 1973763 (VCV001973763.5), dbSNP rs1382740469, ClinGen allele CA409213234.